The following is an entry in ClinVar:

ClinVar aggregate classification (germline): Likely benign. Review status: criteria provided, multiple submitters, no conflicts (2 of 4 stars). 3 submissions from 3 submitters: Likely benign (3). Last evaluated 2025-08-21.

Conditions:
Inborn genetic diseases. Identifiers: MedGen C0950123, MeSH D030342.
Pitt-Hopkins-like syndrome 2 (PTHSL2). Identifiers: Orphanet 221150, Orphanet 600663, MedGen C3280479, MONDO:0013690, OMIM 614325.

Allele frequency attached by ClinVar (database versions not stated): TOPMed 0.00001; ExAC 0.00002; gnomAD 0.00002; gnomAD exomes 0.00002 and 0.00004.
gnomAD v4.1: 15 of 1,613,304 alleles (0.00093%); highest among the groups gnomAD compares: Admixed American, 0.022%; no homozygotes.

Submissions (3):

Labcorp Genetics (formerly Invitae), Labcorp
Classification: Likely benign for Pitt-Hopkins-like syndrome 2. Last evaluated: 2025-08-21. Review status: criteria provided, single submitter. Criteria: Invitae Variant Classification Sherloc (09022015). Collection method: clinical testing. Allele origin: germline.

GeneDx
Classification: Likely benign. Last evaluated: 2024-05-29. Review status: criteria provided, single submitter. Criteria: GeneDx Variant Classification Process June 2021. Collection method: clinical testing. Allele origin: germline. Affected: yes.
Comment: See Variant Classification Assertion Criteria.

Ambry Genetics
Classification: Likely benign for Inborn genetic diseases. Last evaluated: 2020-08-31. Review status: criteria provided, single submitter. Criteria: Ambry Variant Classification Scheme 2023. Collection method: clinical testing. Allele origin: germline.

NM_001330078.2(NRXN1):c.450C>T (p.Phe150=)

Gene: NRXN1 (neurexin 1; minus strand). Cytogenetic location: 2p16.3.
Variant type: single nucleotide variant.
Coding change: c.450C>T on transcript NM_001330078.2 (MANE Select); coding-DNA position 450, C replaced by T.
Protein change: p.Phe150=; no amino-acid change (phenylalanine 150 retained).
Molecular consequence: synonymous variant.
Genome position (GRCh38, 1-based): chr2:51,027,824, G>A on the plus strand (C>T on the coding strand, the complement: NRXN1 is on the minus strand). VCF-style: chr2-51027824-G-A. GRCh37 (hg19) VCF-style: chr2-51254962-G-A.
Other names: c.450C>T, p.Phe150= (NM_001135659.3, NM_001330077.2, NM_001330079.2 and 15 more transcripts).
Identifiers: ClinVar variation 700629 (VCV000700629.14), dbSNP rs766193025, ClinGen allele CA1655483.